The following is an entry in ClinVar:

NM_000179.3(MSH6):c.1298A>T (p.Tyr433Phe)

Gene: MSH6 (mutS homolog 6; plus strand). Cytogenetic location: 2p16.3.
Variant type: single nucleotide variant.
Coding change: c.1298A>T on transcript NM_000179.3 (MANE Select); coding-DNA position 1298, A replaced by T.
Protein change: p.Tyr433Phe; replaces tyrosine 433 with phenylalanine.
Molecular consequence: missense variant.
Genome position (GRCh38, 1-based): chr2:47,799,281, A>T. VCF-style: chr2-47799281-A-T. GRCh37 (hg19) VCF-style: chr2-48026420-A-T.
Other names: c.908A>T, p.Tyr303Phe (NM_001281492.2); c.392A>T, p.Tyr131Phe (NM_001281493.2, NM_001281494.2); short protein forms Y433F, Y131F, Y303F.
Identifiers: ClinVar variation 853321 (VCV000853321.10), dbSNP rs1669317232, ClinGen allele CA346744256.
Genomic context (GRCh38, chr2:47,799,281, plus strand): 5'-GGTGGCAGATTAAGTCTCAGAACTTTGATCTTGTCATCTGTTACAAGGTGGGGAAATTTT[A>T]TGAGCTGTACCACATGGATGCTCTTATTGGAGTCAGTGAACTGGGGCTGGTATTCATGAA-3'
Protein context (NP_000170.1, residues 423-443): LVICYKVGKF[Tyr433Phe]ELYHMDALIG

ClinVar aggregate classification (germline): Uncertain significance (1 of 4 stars; one submission).

Conditions:
Hereditary nonpolyposis colorectal neoplasms. Identifiers: MedGen C0009405, MeSH D003123.

Submission:

Labcorp Genetics (formerly Invitae), Labcorp
Classification: Uncertain significance for Hereditary nonpolyposis colorectal neoplasms. Last evaluated: 2025-08-04. Review status: criteria provided, single submitter. Criteria: Invitae Variant Classification Sherloc (09022015). Collection method: clinical testing. Allele origin: germline.
Comment: This sequence change replaces tyrosine, which is neutral and polar, with phenylalanine, which is neutral and non-polar, at codon 433 of the MSH6 protein (p.Tyr433Phe). This variant is not present in population databases (gnomAD no frequency). This variant has not been reported in the literature in individuals affected with MSH6-related conditions. ClinVar contains an entry for this variant (Variation ID: 853321). Invitae Evidence Modeling of protein sequence and biophysical properties (such as structural, functional, and spatial information, amino acid conservation, physicochemical variation, residue mobility, and thermodynamic stability) has been performed for this missense variant. However, the output from this modeling did not meet the statistical confidence thresholds required to predict the impact of this variant on MSH6 protein function. In summary, the available evidence is currently insufficient to determine the role of this variant in disease. Therefore, it has been classified as a Variant of Uncertain Significance.